The following is an entry in ClinVar:

NM_181784.3(SPRED2):c.829G>C (p.Gly277Arg)

Gene: SPRED2 (sprouty related EVH1 domain containing 2; minus strand). Cytogenetic location: 2p14.
Variant type: single nucleotide variant.
Coding change: c.829G>C on transcript NM_181784.3 (MANE Select); coding-DNA position 829, G replaced by C.
Protein change: p.Gly277Arg; replaces glycine 277 with arginine.
Molecular consequence: missense variant.
Genome position (GRCh38, 1-based): chr2:65,313,929, C>G on the plus strand (G>C on the coding strand, the complement: SPRED2 is on the minus strand). VCF-style: chr2-65313929-C-G. GRCh37 (hg19) VCF-style: chr2-65541063-C-G.
Other names: c.829G>C (NM_181784.2); c.820G>C, p.Gly274Arg (NM_001128210.2); short protein forms G274R, G277R.
Identifiers: ClinVar variation 3904840 (VCV003904840.13).

ClinVar aggregate classification (germline): Likely benign. Review status: criteria provided, multiple submitters, no conflicts (2 of 4 stars). 4 submissions from 4 submitters: Likely benign (4). Last evaluated 2026-07-21.

Conditions:
SPRED2-related condition.

gnomAD v4.1: 4,256 of 1,611,378 alleles (0.26%); highest among the groups gnomAD compares: Non-Finnish European, 0.32%; 5 homozygotes.

Submissions (4):

PreventionGenetics, part of Exact Sciences
Classification: Likely benign for SPRED2-related condition. Last evaluated: 2026-07-21. Review status: criteria provided, single submitter. Criteria: ACMG Guidelines, 2015. Collection method: clinical testing. Allele origin: germline.
Comment: This variant is classified as likely benign based on ACMG/AMP sequence variant interpretation guidelines (Richards et al. 2015 PMID: 25741868, with internal and published modifications).

Women's Health and Genetics/Laboratory Corporation of America, LabCorp
Classification: Likely benign. Last evaluated: 2026-06-05. Review status: criteria provided, single submitter. Criteria: LabCorp Variant Classification Summary - May 2015. Collection method: clinical testing. Allele origin: germline.
Comment: Variant summary: SPRED2 c.829G>C (p.Gly277Arg) results in a non-conservative amino acid change in the encoded protein sequence. Algorithms developed to predict the effect of missense changes on protein structure and function are either unavailable or do not agree on the potential impact of this missense change. The variant allele was found at a frequency of 0.0021 in 246836 control chromosomes in the gnomAD database, including 1 homozygotes. The observed variant frequency exceeds the estimated maximal expected allele frequency for disease-causing variants in SPRED2. To our knowledge, no occurrence of c.829G>C in individuals affected with SPRED2-related conditions and no experimental evidence demonstrating its impact on protein function have been reported. ClinVar contains an entry for this variant (Variation ID: 3904840). Based on the evidence outlined above, the variant was classified as likely benign.

CeGaT Center for Human Genetics Tuebingen
Classification: Likely benign. Last evaluated: 2026-04-01. Review status: criteria provided, single submitter. Criteria: CeGaT Center For Human Genetics Tuebingen Variant Classification Criteria Version 2. Collection method: clinical testing. Allele origin: germline. Affected: yes. Observed: 3 variant alleles.
Comment: SPRED2: BP4, BS2

Blueprint Genetics
Classification: Likely benign. Last evaluated: 2024-11-24. Review status: criteria provided, single submitter. Criteria: ACMG Guidelines, 2015. Collection method: clinical testing. Allele origin: germline.